The following is an entry in ClinVar:

ClinVar aggregate classification (germline): Likely benign (0 of 4 stars; one submission).

Conditions:
NRP2-related disorder. Also called: NRP2-related condition.

Allele frequency attached by ClinVar (database versions not stated): gnomAD exomes 0.00003; ExAC 0.00004; gnomAD 0.00004.
gnomAD v4.1: 50 of 1,614,020 alleles (0.0031%); highest among the groups gnomAD compares: Middle Eastern, 0.016%; no homozygotes.

Submission:

PreventionGenetics, part of Exact Sciences
Classification: Likely benign for NRP2-related condition. Last evaluated: 2022-06-08. Review status: no assertion criteria provided. Collection method: clinical testing. Allele origin: germline.
Comment: This variant is classified as likely benign based on ACMG/AMP sequence variant interpretation guidelines (Richards et al. 2015 PMID: 25741868, with internal and published modifications).

NM_003872.3(NRP2):c.186C>T (p.Pro62=)

Gene: NRP2 (neuropilin 2; plus strand). Cytogenetic location: 2q33.3.
Variant type: single nucleotide variant.
Coding change: c.186C>T on transcript NM_003872.3 (MANE Select); coding-DNA position 186, C replaced by T.
Protein change: p.Pro62=; no amino-acid change (proline 62 retained).
Molecular consequence: synonymous variant.
Genome position (GRCh38, 1-based): chr2:205,697,656, C>T. VCF-style: chr2-205697656-C-T. GRCh37 (hg19) VCF-style: chr2-206562380-C-T.
Other names: c.186C>T, p.Pro62= (NM_018534.4, NM_201264.2, NM_201266.2 and 2 more transcripts).
Identifiers: ClinVar variation 3030988 (VCV003030988.2), dbSNP rs759206542, ClinGen allele CA2068708.